The following is an entry in ClinVar:

NM_006662.3(SRCAP):c.8321C>T (p.Ala2774Val)

Gene: SRCAP (Snf2 related CREBBP activator protein; plus strand). Cytogenetic location: 16p11.2.
Variant type: single nucleotide variant.
Coding change: c.8321C>T on transcript NM_006662.3 (MANE Select); coding-DNA position 8321, C replaced by T.
Protein change: p.Ala2774Val; replaces alanine 2774 with valine.
Molecular consequence: missense variant.
Genome position (GRCh38, 1-based): chr16:30,738,361, C>T. VCF-style: chr16-30738361-C-T. GRCh37 (hg19) VCF-style: chr16-30749682-C-T.
Other names: short protein forms A2774V.
Identifiers: ClinVar variation 3676608 (VCV003676608.2).

ClinVar aggregate classification (germline): Uncertain significance (1 of 4 stars; one submission).

gnomAD v4.1: 1 of 1,566,590 alleles (0.000064%); highest among the groups gnomAD compares: Admixed American, 0.0018%; no homozygotes.

Submission:

Labcorp Genetics (formerly Invitae), Labcorp
Classification: Uncertain significance. Last evaluated: 2024-08-21. Review status: criteria provided, single submitter. Criteria: Invitae Variant Classification Sherloc (09022015). Collection method: clinical testing. Allele origin: germline.
Comment: This sequence change replaces alanine, which is neutral and non-polar, with valine, which is neutral and non-polar, at codon 2774 of the SRCAP protein (p.Ala2774Val). This variant is not present in population databases (gnomAD no frequency). This variant has not been reported in the literature in individuals affected with SRCAP-related conditions. Invitae Evidence Modeling of protein sequence and biophysical properties (such as structural, functional, and spatial information, amino acid conservation, physicochemical variation, residue mobility, and thermodynamic stability) indicates that this missense variant is not expected to disrupt SRCAP protein function with a negative predictive value of 80%. In summary, the available evidence is currently insufficient to determine the role of this variant in disease. Therefore, it has been classified as a Variant of Uncertain Significance.